The following is an entry in ClinVar:

NM_004612.4(TGFBR1):c.476C>G (p.Pro159Arg)

Gene: TGFBR1 (transforming growth factor beta receptor 1; plus strand). Cytogenetic location: 9q22.33.
Variant type: single nucleotide variant.
Coding change: c.476C>G on transcript NM_004612.4 (MANE Select); coding-DNA position 476, C replaced by G.
Protein change: p.Pro159Arg; replaces proline 159 with arginine.
Molecular consequence: missense variant. On other transcripts: non-coding transcript variant (4), intron variant (3).
Genome position (GRCh38, 1-based): chr9:99,132,641, C>G. VCF-style: chr9-99132641-C-G. GRCh37 (hg19) VCF-style: chr9-101894923-C-G.
Other names: c.488C>G, p.Pro163Arg (NM_001306210.2, NM_001407416.1); c.476C>G, p.Pro159Arg (NM_001407417.1, NM_001407435.1); c.281C>G, p.Pro94Arg (NM_001407418.1, NM_001407419.1, NM_001407420.1 and 1 more transcripts); c.269C>G, p.Pro90Arg (NM_001407423.1, NM_001407424.1, NM_001407425.1 and 8 more transcripts); c.230C>G, p.Pro77Arg (NM_001407436.1); c.343+3541C>G (NM_001130916.3); c.98-5218C>G (NM_001407438.1); c.98-9895C>G (NM_001407437.1); short protein forms P159R, P163R, P77R, P90R, P94R.
Identifiers: ClinVar variation 4885127 (VCV004885127.2).

ClinVar aggregate classification (germline): Uncertain significance (1 of 4 stars; one submission).

Submission:

Dasa
Classification: Uncertain significance. Last evaluated: 2025-01-05. Review status: criteria provided, single submitter. Criteria: DASA Assertion Criteria. Collection method: clinical testing. Allele origin: germline.
Comment: NM_004612.4(TGFBR1):c.476C>G (p.Pro159Arg) is a missense variant that results in the substitution of proline with arginine. This variant is absent from population databases. Computational prediction algorithms are consistent with a benign effect. The currently available literature and clinical evidence are not sufficient to establish a definitive association between this variant and the reported condition. Therefore, this variant is classified as a variant of uncertain significance.